The following is an entry in ClinVar:

ClinVar aggregate classification (germline): Uncertain significance (1 of 4 stars; one submission).

gnomAD v4.1: 5 of 1,614,138 alleles (0.00031%); highest among the groups gnomAD compares: Non-Finnish European, 0.00042%; no homozygotes.

Submission:

GeneDx
Classification: Uncertain significance. Last evaluated: 2026-03-06. Review status: criteria provided, single submitter. Criteria: GeneDx Variant Classification Process June 2021. Collection method: clinical testing. Allele origin: germline.
Comment: Not observed at significant frequency in large population cohorts (gnomAD); Has not been previously published as pathogenic or benign to our knowledge; In silico analysis is inconclusive as to whether the variant alters gene splicing. In the absence of RNA/functional studies, the actual effect of this sequence change is unknown.

NM_054027.6(ANKH):c.687+5G>A

Gene: ANKH (ANKH inorganic pyrophosphate transport regulator; minus strand). Cytogenetic location: 5p15.2.
Variant type: single nucleotide variant.
Coding change: c.687+5G>A on transcript NM_054027.6 (MANE Select); 5 bases into the intron after coding-DNA position 687, G replaced by A.
Molecular consequence: intron variant.
Genome position (GRCh38, 1-based): chr5:14,751,064, C>T on the plus strand (G>A on the coding strand, the complement: ANKH is on the minus strand). VCF-style: chr5-14751064-C-T. GRCh37 (hg19) VCF-style: chr5-14751173-C-T.
Identifiers: ClinVar variation 4976703 (VCV004976703.1).